The following is an entry in ClinVar:

ClinVar aggregate classification (germline): Uncertain significance (1 of 4 stars; one submission).

Conditions:
Hereditary breast ovarian cancer syndrome. Also called: Breast and ovarian cancer; BRCA1- and BRCA2-Associated Hereditary Breast and Ovarian Cancer; Hereditary breast and ovarian cancer; Hereditary breast and ovarian cancer syndrome (HBOC); Hereditary breast and/or ovarian cancer syndrome; Hereditary breast and ovarian cancer syndrome. Identifiers: Orphanet 145, MedGen C0677776, MeSH D061325, MONDO:0003582. Disease mechanism: loss of function.

Submission:

Labcorp Genetics (formerly Invitae), Labcorp
Classification: Uncertain significance for Hereditary breast ovarian cancer syndrome. Last evaluated: 2026-01-18. Review status: criteria provided, single submitter. Criteria: Invitae Variant Classification Sherloc (09022015). Collection method: clinical testing. Allele origin: germline.
Comment: This sequence change replaces cysteine, which is neutral and slightly polar, with tryptophan, which is neutral and slightly polar, at codon 1501 of the BRCA1 protein (p.Cys1501Trp). This variant is not present in population databases (gnomAD no frequency). This variant has not been reported in the literature in individuals affected with BRCA1-related conditions. Invitae Evidence Modeling of protein sequence and biophysical properties (such as structural, functional, and spatial information, amino acid conservation, physicochemical variation, residue mobility, and thermodynamic stability) indicates that this missense variant is not expected to disrupt BRCA1 protein function with a negative predictive value of 95%. In summary, the available evidence is currently insufficient to determine the role of this variant in disease. Therefore, it has been classified as a Variant of Uncertain Significance.

NM_007294.4(BRCA1):c.4503C>G (p.Cys1501Trp)

Gene: BRCA1 (BRCA1 DNA repair associated; minus strand). Cytogenetic location: 17q21.31.
Variant type: single nucleotide variant.
Coding change: c.4503C>G on transcript NM_007294.4 (MANE Select); coding-DNA position 4503, C replaced by G.
Protein change: p.Cys1501Trp; replaces cysteine 1501 with tryptophan.
Molecular consequence: missense variant. On other transcripts: intron variant (3).
Genome position (GRCh38, 1-based): chr17:43,074,503, G>C on the plus strand (C>G on the coding strand, the complement: BRCA1 is on the minus strand). VCF-style: chr17-43074503-G-C. GRCh37 (hg19) VCF-style: chr17-41226520-G-C.
Other names: c.4290C>G, p.Cys1430Trp (NM_001407571.1, NM_001407894.1, NM_001407895.1 and 12 more transcripts); c.4569C>G, p.Cys1523Trp (NM_001407581.1, NM_001407582.1); c.4566C>G, p.Cys1522Trp (NM_001407583.1, NM_001407585.1, NM_001407587.1 and 1 more transcripts); c.4563C>G, p.Cys1521Trp (NM_001407590.1, NM_001407591.1); c.4503C>G, p.Cys1501Trp (NM_001407593.1, NM_001407594.1, NM_001407596.1 and 8 more transcripts); c.4500C>G, p.Cys1500Trp (NM_001407610.1, NM_001407611.1, NM_001407612.1 and 17 more transcripts); c.4497C>G, p.Cys1499Trp (NM_001407627.1, NM_001407628.1, NM_001407629.1 and 14 more transcripts); c.4494C>G, p.Cys1498Trp (NM_001407644.1, NM_001407645.1); and 71 more; short protein forms C1204W, C1390W, C1429W, C1430W, C1453W, C1474W, C1481W, C1499W.
Identifiers: ClinVar variation 4760866 (VCV004760866.1).